The following is an entry in ClinVar:

ClinVar aggregate classification (germline): Benign/Likely benign. Review status: criteria provided, multiple submitters, no conflicts (2 of 4 stars). 7 submissions from 6 submitters: Benign (3); Likely benign (3). 1 of the submissions does not count toward it. Last evaluated 2026-01-26.

Conditions:
MYH3-related disorder. Also called: MYH3-Related Disorders; MYH3-related condition. Identifiers: MedGen CN239329.
Distal arthrogryposis type 2B1 (DA2B1). Also called: Arthrogryposis multiplex congenita distal type II with craniofacial abnormalities. Identifiers: Orphanet 1147, MedGen C5193014, MONDO:0020820, OMIM 601680.
Freeman-Sheldon syndrome (DA2A). Also called: CRANIOCARPOTARSAL DYSPLASIA; CRANIOCARPOTARSAL DYSTROPHY; WHISTLING FACE-WINDMILL VANE HAND SYNDROME; Arthrogryposis, distal, type 2A (Freeman-Sheldon). Identifiers: Orphanet 2053, MedGen C0265224, MONDO:0008675, OMIM 193700.

Allele frequency attached by ClinVar (database versions not stated): gnomAD exomes 0.00108 and 0.00125; ExAC 0.00130; gnomAD 0.00151 and 0.00156; 1000 Genomes Project 30x 0.00016; 1000 Genomes Project 0.00020; ESP Exome Variant Server 0.00077; TOPMed 0.00105.
gnomAD v4.1: 2,052 of 1,607,790 alleles (0.13%); highest among the groups gnomAD compares: Non-Finnish European, 0.16%; 5 homozygotes.

Submissions (7):

Labcorp Genetics (formerly Invitae), Labcorp
Classification: Benign. Last evaluated: 2026-01-26. Review status: criteria provided, single submitter. Criteria: Invitae Variant Classification Sherloc (09022015). Collection method: clinical testing. Allele origin: germline.

Blueprint Genetics
Classification: Likely benign. Last evaluated: 2024-11-26. Review status: criteria provided, single submitter. Criteria: ACMG Guidelines, 2015. Collection method: clinical testing. Allele origin: germline.

CeGaT Center for Human Genetics Tuebingen
Classification: Likely benign. Last evaluated: 2024-06-01. Review status: criteria provided, single submitter. Criteria: CeGaT Center For Human Genetics Tuebingen Variant Classification Criteria Version 2. Collection method: clinical testing. Allele origin: germline. Affected: yes. Observed: 2 variant alleles.
Comment: MYH3: BP4

Illumina Laboratory Services, Illumina
Classification: Benign for Freeman-Sheldon syndrome. Last evaluated: 2018-01-12. Review status: criteria provided, single submitter. Criteria: ICSL Variant Classification Criteria 13 December 2019. Collection method: clinical testing. Allele origin: germline.
Comment: This variant was observed in the ICSL laboratory as part of a predisposition screen in an ostensibly healthy population. It had not been previously curated by ICSL or reported in the Human Gene Mutation Database (HGMD: prior to June 1st, 2018), and was therefore a candidate for classification through an automated scoring system. Utilizing variant allele frequency, disease prevalence and penetrance estimates, and inheritance mode, an automated score was calculated to assess if this variant is too frequent to cause the disease. Based on the score and internal cut-off values, a variant classified as benign is not then subjected to further curation. The score for this variant resulted in a classification of benign for this disease.

Illumina Laboratory Services, Illumina
Classification: Likely benign for Distal arthrogryposis type 2B1. Last evaluated: 2018-01-12. Review status: criteria provided, single submitter. Criteria: ICSL Variant Classification Criteria 13 December 2019. Collection method: clinical testing. Allele origin: germline.
Comment: This variant was observed in the ICSL laboratory as part of a predisposition screen in an ostensibly healthy population. It had not been previously curated by ICSL or reported in the Human Gene Mutation Database (HGMD: prior to June 1st, 2018), and was therefore a candidate for classification through an automated scoring system. Utilizing variant allele frequency, disease prevalence and penetrance estimates, and inheritance mode, an automated score was calculated to assess if this variant is too frequent to cause the disease. Based on the score and internal cut-off values, a variant classified as likely benign is not then subjected to further curation. The score for this variant resulted in a classification of likely benign for this disease.

Genetic Services Laboratory, University of Chicago
Classification: Benign. Last evaluated: 2017-07-03. Review status: criteria provided, single submitter. Criteria: ACMG Guidelines, 2015. Collection method: clinical testing. Allele origin: germline. Affected: no.

PreventionGenetics, part of Exact Sciences
Classification: Likely benign for MYH3-related condition. Last evaluated: 2022-02-27. Review status: no assertion criteria provided. Collection method: clinical testing. Allele origin: germline. Not counted in ClinVar's aggregate classification.
Comment: This variant is classified as likely benign based on ACMG/AMP sequence variant interpretation guidelines (Richards et al. 2015 PMID: 25741868, with internal and published modifications).

NM_002470.4(MYH3):c.252G>A (p.Lys84=)

Gene: MYH3 (myosin heavy chain 3; minus strand). Cytogenetic location: 17p13.1.
Variant type: single nucleotide variant.
Coding change: c.252G>A on transcript NM_002470.4 (MANE Select); coding-DNA position 252, G replaced by A.
Protein change: p.Lys84=; no amino-acid change (lysine 84 retained).
Molecular consequence: synonymous variant.
Genome position (GRCh38, 1-based): chr17:10,652,516, C>T on the plus strand (G>A on the coding strand, the complement: MYH3 is on the minus strand). VCF-style: chr17-10652516-C-T. GRCh37 (hg19) VCF-style: chr17-10555833-C-T.
Identifiers: ClinVar variation 321772 (VCV000321772.41), dbSNP rs147410236, ClinGen allele CA8393360.